The following is an entry in ClinVar:

NM_004655.4(AXIN2):c.1231C>T (p.Leu411Phe)

Gene: AXIN2 (axin 2; minus strand). Cytogenetic location: 17q24.1.
Variant type: single nucleotide variant.
Coding change: c.1231C>T on transcript NM_004655.4 (MANE Select); coding-DNA position 1231, C replaced by T.
Protein change: p.Leu411Phe; replaces leucine 411 with phenylalanine.
Molecular consequence: missense variant.
Genome position (GRCh38, 1-based): chr17:65,537,805, G>A on the plus strand (C>T on the coding strand, the complement: AXIN2 is on the minus strand). VCF-style: chr17-65537805-G-A. GRCh37 (hg19) VCF-style: chr17-63533923-G-A.
Other names: c.1231C>T, p.Leu411Phe (NM_001363813.1); short protein forms L411F.
Identifiers: ClinVar variation 818657 (VCV000818657.10), dbSNP rs1598099711, ClinGen allele CA400677912.

ClinVar aggregate classification (germline): Conflicting classifications of pathogenicity. Review status: criteria provided, conflicting classifications (1 of 4 stars). 2 submissions from 2 submitters: Uncertain significance (1); Likely benign (1). Last evaluated 2024-10-21.

Conditions:
Hereditary cancer-predisposing syndrome. Also called: Tumor predisposition; Hereditary neoplastic syndrome; Neoplastic Syndromes, Hereditary; Hereditary Cancer Syndrome. Identifiers: Orphanet 140162, MedGen C0027672, MeSH D009386, MONDO:0015356.
Oligodontia-cancer predisposition syndrome. Also called: TOOTH AGENESIS-COLORECTAL CANCER SYNDROME. Identifiers: Orphanet 300576, MedGen C1837750, MONDO:0012075, OMIM 608615. Disease mechanism: loss of function.

Allele frequency attached by ClinVar (database versions not stated): gnomAD exomes below 0.00001.
gnomAD v4.1: 1 of 1,583,194 alleles (0.000063%); highest among the groups gnomAD compares: Non-Finnish European, 0.000086%; no homozygotes.

Submissions (2):

Labcorp Genetics (formerly Invitae), Labcorp
Classification: Uncertain significance for Oligodontia-cancer predisposition syndrome. Last evaluated: 2024-10-21. Review status: criteria provided, single submitter. Criteria: Invitae Variant Classification Sherloc (09022015). Collection method: clinical testing. Allele origin: germline.
Comment: This sequence change replaces leucine, which is neutral and non-polar, with phenylalanine, which is neutral and non-polar, at codon 411 of the AXIN2 protein (p.Leu411Phe). This variant is not present in population databases (gnomAD no frequency). This variant has not been reported in the literature in individuals affected with AXIN2-related conditions. ClinVar contains an entry for this variant (Variation ID: 818657). An algorithm developed to predict the effect of missense changes on protein structure and function (PolyPhen-2) suggests that this variant is likely to be tolerated. In summary, the available evidence is currently insufficient to determine the role of this variant in disease. Therefore, it has been classified as a Variant of Uncertain Significance.

Ambry Genetics
Classification: Likely benign for Hereditary cancer-predisposing syndrome. Last evaluated: 2023-11-29. Review status: criteria provided, single submitter. Criteria: Ambry Variant Classification Scheme 2023. Collection method: clinical testing. Allele origin: germline.